The following is an entry in ClinVar:

NM_001148.6(ANK2):c.6305A>G (p.Glu2102Gly)

Genes: ANK2 (ankyrin 2; plus strand), LOC126807136 (MED14-independent group 3 enhancer GRCh37_chr4:114274931-114276130; plus strand). Cytogenetic location: 4q26.
Variant type: single nucleotide variant.
Coding change: c.6305A>G on transcript NM_001148.6 (MANE Select); coding-DNA position 6305, A replaced by G.
Protein change: p.Glu2102Gly; replaces glutamic acid 2102 with glycine.
Molecular consequence: missense variant. On other transcripts: intron variant (68).
Genome position (GRCh38, 1-based): chr4:113,354,923, A>G. VCF-style: chr4-113354923-A-G. GRCh37 (hg19) VCF-style: chr4-114276079-A-G.
Other names: c.6071A>G, p.Glu2024Gly (NM_001386142.1); c.2705A>G, p.Glu902Gly (NM_001386166.1); c.6446A>G, p.Glu2149Gly (NM_001386174.1); c.6422A>G, p.Glu2141Gly (NM_001386175.1); c.4411+4674A>G (NM_001386186.2, NM_001386148.2); c.4213+4674A>G (NM_001354269.3); c.4291+4674A>G (NM_001386187.2); c.4252+4674A>G (NM_001386147.1); and 35 more; short protein forms E2024G, E2141G, E2149G, E2102G, E902G.
Identifiers: ClinVar variation 4744594 (VCV004744594.1).
Genomic context (GRCh38, chr4:113,354,923, plus strand): 5'-GAGGAAAGGAGAAAGTTCTCAGCCACAAAATACCTGAACCTGTTCAGTCAGTGCCTGAAG[A>G]AGAAAGCCACAGAGAGAGCGAAGTGCCCAAAGAAAAGATGGCTGATGAGCAGGGAGACAT-3'
Protein context (NP_001139.3, residues 2092-2112): IPEPVQSVPE[Glu2102Gly]ESHRESEVPK

ClinVar aggregate classification (germline): Uncertain significance (1 of 4 stars; one submission).

Conditions:
Long QT syndrome (LQTS). Identifiers: MedGen C0023976, MeSH D008133, MONDO:0002442. Disease mechanism: loss of function. Inheritance: Various modes of inheritance.

gnomAD v4.1: 1 of 1,614,142 alleles (0.000062%); highest among the groups gnomAD compares: Non-Finnish European, 0.000085%; no homozygotes.

Submission:

Labcorp Genetics (formerly Invitae), Labcorp
Classification: Uncertain significance for Long QT syndrome. Last evaluated: 2025-02-22. Review status: criteria provided, single submitter. Criteria: Invitae Variant Classification Sherloc (09022015). Collection method: clinical testing. Allele origin: germline.
Comment: This sequence change replaces glutamic acid, which is acidic and polar, with glycine, which is neutral and non-polar, at codon 2102 of the ANK2 protein (p.Glu2102Gly). This variant is not present in population databases (gnomAD no frequency). This variant has not been reported in the literature in individuals affected with ANK2-related conditions. An algorithm developed to predict the effect of missense changes on protein structure and function outputs the following: PolyPhen-2: "Possibly Damaging". The glycine amino acid residue is found in multiple mammalian species, which suggests that this missense change does not adversely affect protein function. In summary, the available evidence is currently insufficient to determine the role of this variant in disease. Therefore, it has been classified as a Variant of Uncertain Significance.